The following is an entry in ClinVar:

NM_004035.7(ACOX1):c.*474G>A

Gene: ACOX1 (acyl-CoA oxidase 1; minus strand). Cytogenetic location: 17q25.1.
Variant type: single nucleotide variant.
Coding change: c.*474G>A on transcript NM_004035.7 (MANE Select); 474 bases downstream of the stop codon, G replaced by A.
Molecular consequence: 3 prime UTR variant.
Genome position (GRCh38, 1-based): chr17:75,946,274, C>T on the plus strand (G>A on the coding strand, the complement: ACOX1 is on the minus strand). VCF-style: chr17-75946274-C-T. GRCh37 (hg19) VCF-style: chr17-73942355-C-T.
Other names: c.*474G>A (NM_001185039.2, NM_007292.6).
Identifiers: ClinVar variation 325369 (VCV000325369.5), dbSNP rs115919790, ClinGen allele CA10646870.

ClinVar aggregate classification (germline): Benign (1 of 4 stars; one submission).

Conditions:
Acyl-CoA oxidase deficiency. Also called: STRAIGHT-CHAIN ACYL-CoA OXIDASE DEFICIENCY; Pseudoneonatal adrenoleukodystrophy; Peroxisomal acyl-CoA oxidase deficiency. Identifiers: Orphanet 2971, MedGen C1849678, MONDO:0009919, OMIM 264470. Disease mechanism: loss of function.

Allele frequency attached by ClinVar (database versions not stated): gnomAD exomes 0.00072; 1000 Genomes Project 0.01478; 1000 Genomes Project 30x 0.01499; gnomAD 0.01657 and 0.01800; TOPMed 0.01847.

Submission:

Illumina Laboratory Services, Illumina
Classification: Benign for Acyl-CoA oxidase deficiency. Last evaluated: 2018-01-13. Review status: criteria provided, single submitter. Criteria: ICSL Variant Classification Criteria 13 December 2019. Collection method: clinical testing. Allele origin: germline.
Comment: This variant was observed in the ICSL laboratory as part of a predisposition screen in an ostensibly healthy population. It had not been previously curated by ICSL or reported in the Human Gene Mutation Database (HGMD: prior to June 1st, 2018), and was therefore a candidate for classification through an automated scoring system. Utilizing variant allele frequency, disease prevalence and penetrance estimates, and inheritance mode, an automated score was calculated to assess if this variant is too frequent to cause the disease. Based on the score and internal cut-off values, a variant classified as benign is not then subjected to further curation. The score for this variant resulted in a classification of benign for this disease.